The following is an entry in ClinVar:

ClinVar aggregate classification (germline): Likely pathogenic (1 of 4 stars; one submission).

Conditions:
Hereditary cancer-predisposing syndrome. Also called: Hereditary Cancer Syndrome; Neoplastic Syndromes, Hereditary; Hereditary neoplastic syndrome; Tumor predisposition. Identifiers: Orphanet 140162, MedGen C0027672, MeSH D009386, MONDO:0015356.

Submission:

Ambry Genetics
Classification: Likely pathogenic for Hereditary cancer-predisposing syndrome. Last evaluated: 2025-12-03. Review status: criteria provided, single submitter. Criteria: Ambry Variant Classification Scheme 2023. Collection method: clinical testing. Allele origin: germline.
Comment: The c.445-1G>C intronic variant results from a G to C substitution one nucleotide upstream from coding exon 3 of the CHEK2 gene.This variant is considered to be rare based on population cohorts in the Genome Aggregation Database (gnomAD). This nucleotide position is highly conserved in available vertebrate species. In silico splice site analysis predicts that this alteration will weaken the native splice acceptor site; however, direct evidence is insufficient at this time (Ambry internal data). Alterations that disrupt the canonical splice site are expected to cause aberrant splicing, resulting in an abnormal protein or a transcript that is subject to nonsense-mediated mRNA decay. s such, this alteration is classified as likely pathogenic.

NM_007194.4(CHEK2):c.445-1G>C

Gene: CHEK2 (checkpoint kinase 2; minus strand). Cytogenetic location: 22q12.1.
Variant type: single nucleotide variant.
Coding change: c.445-1G>C on transcript NM_007194.4 (MANE Select); the canonical splice acceptor site of the intron before coding-DNA position 445, G replaced by C.
Molecular consequence: splice acceptor variant. On other transcripts: intron variant (1).
Genome position (GRCh38, 1-based): chr22:28,725,125, C>G on the plus strand (G>C on the coding strand, the complement: CHEK2 is on the minus strand). VCF-style: chr22-28725125-C-G. GRCh37 (hg19) VCF-style: chr22-29121113-C-G.
Other names: c.-219-1G>C (NM_001437942.1); c.444+118G>C (NM_001349956.3); c.445-1G>C (NM_145862.3); c.-333-1G>C (NM_001257387.3); c.538-1G>C (NM_001438295.1, NM_001438293.1); c.574-1G>C (NM_001438294.1, NM_001005735.3).
Identifiers: ClinVar variation 142932 (VCV000142932.6), dbSNP rs587782830, ClinGen allele CA169805.